The following is an entry in ClinVar:

ClinVar aggregate classification (germline): Uncertain significance (1 of 4 stars; one submission).

gnomAD v4.1: 1 of 1,614,118 alleles (0.000062%); highest among the groups gnomAD compares: Non-Finnish European, 0.000085%; no homozygotes.

Submission:

Labcorp Genetics (formerly Invitae), Labcorp
Classification: Uncertain significance. Last evaluated: 2022-07-11. Review status: criteria provided, single submitter. Criteria: Invitae Variant Classification Sherloc (09022015). Collection method: clinical testing. Allele origin: germline.
Comment: In summary, the available evidence is currently insufficient to determine the role of this variant in disease. Therefore, it has been classified as a Variant of Uncertain Significance. This sequence change replaces alanine, which is neutral and non-polar, with aspartic acid, which is acidic and polar, at codon 262 of the FAM20A protein (p.Ala262Asp). This variant is not present in population databases (gnomAD no frequency). This variant has not been reported in the literature in individuals affected with FAM20A-related conditions. Algorithms developed to predict the effect of missense changes on protein structure and function (SIFT, PolyPhen-2, Align-GVGD) all suggest that this variant is likely to be disruptive.

NM_017565.4(FAM20A):c.785C>A (p.Ala262Asp)

Genes: FAM20A (FAM20A golgi associated secretory pathway pseudokinase; minus strand), PRKAR1A (protein kinase cAMP-dependent type I regulatory subunit alpha; plus strand). Cytogenetic location: 17q24.2.
Variant type: single nucleotide variant.
Coding change: c.785C>A on transcript NM_017565.4 (MANE Select); coding-DNA position 785, C replaced by A.
Protein change: p.Ala262Asp; replaces alanine 262 with aspartic acid.
Molecular consequence: missense variant. On other transcripts: non-coding transcript variant (1), intron variant (1).
Genome position (GRCh38, 1-based): chr17:68,543,656, G>T on the plus strand (C>A on the coding strand, the complement: FAM20A is on the minus strand). VCF-style: chr17-68543656-G-T. GRCh37 (hg19) VCF-style: chr17-66539797-G-T.
Other names: c.371C>A, p.Ala124Asp (NM_001243746.2); c.974-7428G>T (NM_001276290.1); short protein forms A124D, A262D.
Identifiers: ClinVar variation 2014662 (VCV002014662.4), dbSNP rs2509509377, ClinGen allele CA400759285.